The following is an entry in ClinVar:

ClinVar aggregate classification (germline): Uncertain significance (1 of 4 stars; one submission).

Submission:

GeneDx
Classification: Uncertain significance. Last evaluated: 2019-04-11. Review status: criteria provided, single submitter. Criteria: GeneDx Variant Classification Process June 2021. Collection method: clinical testing. Allele origin: germline. Affected: yes.
Comment: Not observed in large population cohorts (Lek et al., 2016); In-frame deletion of 2 amino acids in a non-repeat region; Has not been previously published as pathogenic or benign to our knowledge

NM_080680.3(COL11A2):c.3199_3204del (p.Pro1067_Val1068del)

Gene: COL11A2 (collagen type XI alpha 2 chain; minus strand). Cytogenetic location: 6p21.32.
Variant type: Deletion.
Coding change: c.3199_3204del on transcript NM_080680.3 (MANE Select); coding-DNA positions 3199 to 3204, 6 bases deleted (CCTGTG; older notation c.3199_3204delCCTGTG).
Protein change: p.Pro1067_Val1068del.
Molecular consequence: inframe deletion.
Genome position (GRCh38, 1-based): chr6:33,171,521-33,171,526, CACAGG deleted on the plus strand (CCTGTG on the coding strand, the reverse complement: COL11A2 is on the minus strand). VCF-style (leftmost placement, unchanged base first): chr6-33171520-CCACAGG-C. GRCh37 (hg19) VCF-style: chr6-33139297-CCACAGG-C.
Other names: c.2878_2883del, p.Pro960_Val961del (NM_080679.3); c.2941_2946del, p.Pro981_Val982del (NM_080681.3).
Identifiers: ClinVar variation 1304143 (VCV001304143.2), dbSNP rs2150546665, ClinGen allele CA2573052673.